The following is an entry in ClinVar:

NM_015175.3(NBEAL2):c.3338C>T (p.Thr1113Met)

Gene: NBEAL2 (neurobeachin like 2; plus strand). Cytogenetic location: 3p21.31.
Variant type: single nucleotide variant.
Coding change: c.3338C>T on transcript NM_015175.3 (MANE Select); coding-DNA position 3338, C replaced by T.
Protein change: p.Thr1113Met; replaces threonine 1113 with methionine.
Molecular consequence: missense variant.
Genome position (GRCh38, 1-based): chr3:46,998,833, C>T. VCF-style: chr3-46998833-C-T. GRCh37 (hg19) VCF-style: chr3-47040323-C-T.
Other names: p.Thr1113Met; c.3236C>T, p.Thr1079Met (NM_001365116.2); short protein forms T1079M, T1113M.
Identifiers: ClinVar variation 771854 (VCV000771854.42), dbSNP rs202071400, ClinGen allele CA2360913.
Genomic context (GRCh38, chr3:46,998,833, plus strand): 5'-TCCTGGGCCTGGCGAGGGAGTTCCTGGTGCGGAGTCTCTCAGCAGATGACGTGCAGGTCA[C>T]GCAGACCATGCTGAGCTTTTTGGCGGCCACAGGCGATGACGGTCAGGTAGGCTGGAGGTT-3'
Protein context (NP_055990.1, residues 1103-1123): RSLSADDVQV[Thr1113Met]QTMLSFLAAT

ClinVar aggregate classification (germline): Benign/Likely benign. Review status: criteria provided, multiple submitters, no conflicts (2 of 4 stars). 10 submissions from 10 submitters: Benign (1); Likely benign (6). 3 of the submissions do not count toward it. Last evaluated 2026-02-02.

Conditions:
NBEAL2-related disorder. Also called: NBEAL2-related condition.
Gray platelet syndrome (GPS). Also called: BLEEDING DISORDER, PLATELET-TYPE, 4. Identifiers: Orphanet 721, MedGen C0272302, MONDO:0007686, OMIM 139090.

Allele frequency attached by ClinVar (database versions not stated): ESP Exome Variant Server 0.00103; gnomAD exomes 0.00123 and 0.00163; gnomAD 0.00133 and 0.00135; 1000 Genomes Project 30x 0.00156; 1000 Genomes Project 0.00180; TOPMed 0.00196; ExAC 0.00258.
gnomAD v4.1: 2,119 of 1,577,136 alleles (0.13%); highest among the groups gnomAD compares: Middle Eastern, 2.7%; 9 homozygotes.

Submissions (10):

Labcorp Genetics (formerly Invitae), Labcorp
Classification: Likely benign. Last evaluated: 2026-02-02. Review status: criteria provided, single submitter. Criteria: Invitae Variant Classification Sherloc (09022015). Collection method: clinical testing. Allele origin: germline.

Mayo Clinic Laboratories, Mayo Clinic
Classification: Benign. Last evaluated: 2025-07-31. Review status: criteria provided, single submitter. Criteria: ACMG Guidelines, 2015. Collection method: clinical testing. Allele origin: germline. Observed: 2 variant alleles.
Comment: BS1, BS2, BP4_moderate

Blueprint Genetics
Classification: Likely benign. Last evaluated: 2024-11-22. Review status: criteria provided, single submitter. Criteria: ACMG Guidelines, 2015. Collection method: clinical testing. Allele origin: germline.

CeGaT Center for Human Genetics Tuebingen
Classification: Likely benign. Last evaluated: 2023-09-01. Review status: criteria provided, single submitter. Criteria: CeGaT Center For Human Genetics Tuebingen Variant Classification Criteria Version 2. Collection method: clinical testing. Allele origin: germline. Affected: yes. Observed: 1 variant allele.
Comment: NBEAL2: BP4, BS1

Genetic Services Laboratory, University of Chicago
Classification: Likely benign. Last evaluated: 2020-03-16. Review status: criteria provided, single submitter. Criteria: ACMG Guidelines, 2015. Collection method: clinical testing. Allele origin: germline. Affected: no.

Illumina Laboratory Services, Illumina
Classification: Likely benign for Gray platelet syndrome. Last evaluated: 2018-01-12. Review status: criteria provided, single submitter. Criteria: ICSL Variant Classification Criteria 13 December 2019. Collection method: clinical testing. Allele origin: germline.
Comment: This variant was observed in the ICSL laboratory as part of a predisposition screen in an ostensibly healthy population. It had not been previously curated by ICSL or reported in the Human Gene Mutation Database (HGMD: prior to June 1st, 2018), and was therefore a candidate for classification through an automated scoring system. Utilizing variant allele frequency, disease prevalence and penetrance estimates, and inheritance mode, an automated score was calculated to assess if this variant is too frequent to cause the disease. Based on the score and internal cut-off values, a variant classified as likely benign is not then subjected to further curation. The score for this variant resulted in a classification of likely benign for this disease.

Breakthrough Genomics
Classification: Likely benign. Review status: criteria provided, single submitter. Criteria: ACMG Guidelines, 2015. Collection method: not provided. Allele origin: germline. Inheritance: Autosomal recessive inheritance. Affected: yes.

PreventionGenetics, part of Exact Sciences
Classification: Benign for NBEAL2-related condition. Last evaluated: 2021-03-22. Review status: no assertion criteria provided. Collection method: clinical testing. Allele origin: germline. Not counted in ClinVar's aggregate classification.
Comment: This variant is classified as benign based on ACMG/AMP sequence variant interpretation guidelines (Richards et al. 2015 PMID: 25741868, with internal and published modifications).

Genome Diagnostics Laboratory, University Medical Center Utrecht
Classification: Likely benign. Review status: no assertion criteria provided. Collection method: clinical testing. Allele origin: germline. Affected: yes. Study: VKGL Data-share Consensus. Not counted in ClinVar's aggregate classification.

Joint Genome Diagnostic Labs from Nijmegen and Maastricht, Radboudumc and MUMC+
Classification: Likely benign. Review status: no assertion criteria provided. Collection method: clinical testing. Allele origin: germline. Affected: yes. Study: VKGL Data-share Consensus. Not counted in ClinVar's aggregate classification.